The following is an entry in ClinVar:

NM_001042492.3(NF1):c.8254G>A (p.Glu2752Lys)

Gene: NF1 (neurofibromin 1; plus strand). Cytogenetic location: 17q11.2.
Variant type: single nucleotide variant.
Coding change: c.8254G>A on transcript NM_001042492.3 (MANE Select); coding-DNA position 8254, G replaced by A.
Protein change: p.Glu2752Lys; replaces glutamic acid 2752 with lysine.
Molecular consequence: missense variant.
Genome position (GRCh38, 1-based): chr17:31,360,580, G>A. VCF-style: chr17-31360580-G-A. GRCh37 (hg19) VCF-style: chr17-29687598-G-A.
Other names: c.8191G>A, p.Glu2731Lys (NM_000267.4); short protein forms E2731K, E2752K.
Identifiers: ClinVar variation 3404885 (VCV003404885.1).

ClinVar aggregate classification (germline): Uncertain significance (1 of 4 stars; one submission).

Conditions:
Hereditary cancer-predisposing syndrome. Also called: Hereditary Cancer Syndrome; Tumor predisposition; Hereditary neoplastic syndrome; Neoplastic Syndromes, Hereditary. Identifiers: Orphanet 140162, MedGen C0027672, MeSH D009386, MONDO:0015356.
Cardiovascular phenotype. Identifiers: MedGen CN230736.

Submission:

Ambry Genetics
Classification: Uncertain significance for Cardiovascular phenotype; Hereditary cancer-predisposing syndrome. Last evaluated: 2024-10-28. Review status: criteria provided, single submitter. Criteria: Ambry Variant Classification Scheme 2023. Collection method: clinical testing. Allele origin: germline.
Comment: The p.E2731K variant (also known as c.8191G>A), located in coding exon 56 of the NF1 gene, results from a G to A substitution at nucleotide position 8191. The glutamic acid at codon 2731 is replaced by lysine, an amino acid with similar properties. This amino acid position is conserved. In addition, this alteration is predicted to be tolerated by in silico analysis. Based on the available evidence, the clinical significance of this variant remains unclear.